The following is an entry in ClinVar:

ClinVar aggregate classification (germline): Uncertain significance (1 of 4 stars; one submission).

Allele frequency attached by ClinVar (database versions not stated): gnomAD exomes below 0.00001; TOPMed below 0.00001.
gnomAD v4.1: 5 of 1,489,220 alleles (0.00034%); highest among the groups gnomAD compares: Non-Finnish European, 0.00045%; no homozygotes.

Submission:

Labcorp Genetics (formerly Invitae), Labcorp
Classification: Uncertain significance. Last evaluated: 2024-04-10. Review status: criteria provided, single submitter. Criteria: Invitae Variant Classification Sherloc (09022015). Collection method: clinical testing. Allele origin: germline.
Comment: This sequence change falls in intron 8 of the AP3B2 gene. It does not directly change the encoded amino acid sequence of the AP3B2 protein. It affects a nucleotide within the consensus splice site. This variant is not present in population databases (gnomAD no frequency). This variant has not been reported in the literature in individuals affected with AP3B2-related conditions. ClinVar contains an entry for this variant (Variation ID: 1903405). Variants that disrupt the consensus splice site are a relatively common cause of aberrant splicing (PMID: 17576681, 9536098). Algorithms developed to predict the effect of sequence changes on RNA splicing suggest that this variant is not likely to affect RNA splicing. In summary, the available evidence is currently insufficient to determine the role of this variant in disease. Therefore, it has been classified as a Variant of Uncertain Significance.

Literature cited by the submitters: PubMed 17576681; PubMed 9536098.

NM_001278512.2(AP3B2):c.1055+5G>A

Genes: AP3B2 (adaptor related protein complex 3 subunit beta 2; minus strand), CPEB1-AS1 (CPEB1 antisense RNA 1; plus strand). Cytogenetic location: 15q25.2.
Variant type: single nucleotide variant.
Coding change: c.1055+5G>A on transcript NM_001278512.2 (MANE Select); 5 bases into the intron after coding-DNA position 1055, G replaced by A.
Molecular consequence: intron variant.
Genome position (GRCh38, 1-based): chr15:82,680,467, C>T on the plus strand (G>A on the coding strand, the complement: AP3B2 is on the minus strand). VCF-style: chr15-82680467-C-T. GRCh37 (hg19) VCF-style: chr15-83349219-C-T.
Other names: c.959+5G>A (NM_001278511.2); c.1055+5G>A (NM_004644.5).
Identifiers: ClinVar variation 1903405 (VCV001903405.5), dbSNP rs2048318371, ClinGen allele CA2191481266.
Genomic context (GRCh38, chr15:82,680,467, plus strand): 5'-AGCCGGGCAGCCCGTGGGGCGGGGCAGGAGGCGAGGGAGGGGGCGGGGCTGGGGGCGGAG[C>T]GCACCTGTGGCTGCGCAGCAGGCGCACCAGCGCCTTGGCGATGACGCCCACTTCCGCCTT-3'